The following is an entry in ClinVar:

NM_001034853.2(RPGR):c.1095T>G (p.Ala365=)

Gene: RPGR (retinitis pigmentosa GTPase regulator; minus strand). Cytogenetic location: Xp11.4.
Variant type: single nucleotide variant.
Coding change: c.1095T>G on transcript NM_001034853.2 (MANE Select); coding-DNA position 1095, T replaced by G.
Protein change: p.Ala365=; no amino-acid change (alanine 365 retained).
Molecular consequence: synonymous variant. On other transcripts: non-coding transcript variant (6), intron variant (2).
Genome position (GRCh38, 1-based): chrX:38,299,106, A>C on the plus strand (T>G on the coding strand, the complement: RPGR is on the minus strand). VCF-style: chrX-38299106-A-C. GRCh37 (hg19) VCF-style: chrX-38158359-A-C.
Other names: c.1095T>G, p.Ala365= (NM_000328.3, NM_001367247.1); c.1092T>G, p.Ala364= (NM_001367245.1, NM_001367249.1, NM_001367250.1); c.1125T>G, p.Ala375= (NM_001367248.1); c.1060-1654T>G (NM_001367251.1, NM_001367246.1).
Identifiers: ClinVar variation 2173755 (VCV002173755.9), dbSNP rs765929940, ClinGen allele CA10385545.

ClinVar aggregate classification (germline): Likely benign. Review status: criteria provided, multiple submitters, no conflicts (2 of 4 stars). 3 submissions from 3 submitters: Likely benign (2). 1 of the submissions does not count toward it. Last evaluated 2026-01-19.

Conditions:
Primary ciliary dyskinesia. Also called: Ciliary dyskinesia. Identifiers: Orphanet 244, MedGen C0008780, MONDO:0016575, HP:0012265.
RPGR-related disorder. Also called: RPGR-related condition.

Allele frequency attached by ClinVar (database versions not stated): gnomAD exomes 0.00002; TOPMed 0.00005; ExAC 0.00008.
gnomAD v4.1: 22 of 1,211,752 alleles (0.0018%); highest among the groups gnomAD compares: Admixed American, 0.03%; no homozygotes.

Submissions (3):

Labcorp Genetics (formerly Invitae), Labcorp
Classification: Likely benign for Primary ciliary dyskinesia. Last evaluated: 2026-01-19. Review status: criteria provided, single submitter. Criteria: Invitae Variant Classification Sherloc (09022015). Collection method: clinical testing. Allele origin: germline.

Blueprint Genetics
Classification: Likely benign. Last evaluated: 2024-02-13. Review status: criteria provided, single submitter. Criteria: ACMG Guidelines, 2015. Collection method: clinical testing. Allele origin: germline.

PreventionGenetics, part of Exact Sciences
Classification: Likely benign for RPGR-related condition. Last evaluated: 2021-11-01. Review status: no assertion criteria provided. Collection method: clinical testing. Allele origin: germline. Not counted in ClinVar's aggregate classification.
Comment: This variant is classified as likely benign based on ACMG/AMP sequence variant interpretation guidelines (Richards et al. 2015 PMID: 25741868, with internal and published modifications).